The following is an entry in ClinVar:

NM_024334.3(TMEM43):c.298-8G>C

Gene: TMEM43 (transmembrane protein 43; plus strand). Cytogenetic location: 3p25.1.
Variant type: single nucleotide variant.
Coding change: c.298-8G>C on transcript NM_024334.3 (MANE Select); 8 bases into the intron before coding-DNA position 298, G replaced by C.
Molecular consequence: intron variant.
Genome position (GRCh38, 1-based): chr3:14,131,572, G>C. VCF-style: chr3-14131572-G-C. GRCh37 (hg19) VCF-style: chr3-14173072-G-C.
Other names: c.298-8G>C (NM_001407274.1, NM_001407276.1, NM_001407275.1 and 2 more transcripts); c.283-8G>C (NM_001407278.1); c.148-8G>C (NM_001407280.1).
Identifiers: ClinVar variation 3070817 (VCV003070817.1), dbSNP rs2470181421, ClinGen allele CA2825001174.

ClinVar aggregate classification (germline): Uncertain significance (1 of 4 stars; one submission).

Conditions:
Arrhythmogenic right ventricular dysplasia 5. Also called: Arrhythmogenic Right Ventricular Dysplasia/Cardiomyopathy 5; ARRHYTHMOGENIC RIGHT VENTRICULAR DYSPLASIA, FAMILIAL, 5. Identifiers: MedGen C1858379, MONDO:0011459, OMIM 604400.

Submission:

All of Us Research Program, National Institutes of Health
Classification: Uncertain significance for Arrhythmogenic right ventricular dysplasia 5. Last evaluated: 2023-05-04. Review status: criteria provided, single submitter. Criteria: ACMG Guidelines, 2015. Collection method: clinical testing. Allele origin: germline. Inheritance: Autosomal dominant inheritance. Observed: 1 variant allele, 1 heterozygote.
Comment: This variant causes a G to C nucleotide substitution at the -8 position of intron 3 of the TMEM43 gene. To our knowledge, functional studies have not been reported for this variant. This variant has not been reported in individuals affected with TMEM43-related disorders in the literature. This variant has not been identified in the general population by the Genome Aggregation Database (gnomAD). The available evidence is insufficient to determine the role of this variant in disease conclusively. Therefore, this variant is classified as a Variant of Uncertain Significance.

This study involves interpretation of variants in research participants for the purpose of population health screening. Participant phenotype was not available at the time of variant classification. Additional details can be found in publication PMID: 35346344, PMCID: PMC8962531